The following is an entry in ClinVar:

ClinVar aggregate classification (germline): Uncertain significance. Review status: criteria provided, multiple submitters, no conflicts (2 of 4 stars). 2 submissions from 2 submitters: Uncertain significance (2). Last evaluated 2025-03-17.

Conditions:
ASXL1-related disorder. Also called: ASXL1-related condition; ASXL1-related disorders.
Inborn genetic diseases. Identifiers: MedGen C0950123, MeSH D030342.

Submissions (2):

Ambry Genetics
Classification: Uncertain significance for Inborn genetic diseases. Last evaluated: 2025-03-17. Review status: criteria provided, single submitter. Criteria: Ambry Variant Classification Scheme 2023. Collection method: clinical testing. Allele origin: germline.
Comment: The p.H279R variant (also known as c.836A>G), located in coding exon 9 of the ASXL1 gene, results from an A to G substitution at nucleotide position 836. The histidine at codon 279 is replaced by arginine, an amino acid with highly similar properties. This amino acid position is conserved. In addition, this alteration is predicted to be tolerated by in silico analysis. Based on the available evidence, the clinical significance of this variant remains unclear.

PreventionGenetics, part of Exact Sciences
Classification: Uncertain significance for ASXL1-related condition. Last evaluated: 2022-09-20. Review status: criteria provided, single submitter. Criteria: ACMG Guidelines, 2015. Collection method: clinical testing. Allele origin: germline.
Comment: The ASXL1 c.836A>G variant is predicted to result in the amino acid substitution p.His279Arg. To our knowledge, this variant has not been reported in the literature or in a large population database, indicating this variant is rare. At this time, the clinical significance of this variant is uncertain due to the absence of conclusive functional and genetic evidence.

NM_015338.6(ASXL1):c.836A>G (p.His279Arg)

Gene: ASXL1 (ASXL transcriptional regulator 1; plus strand). Cytogenetic location: 20q11.21.
Variant type: single nucleotide variant.
Coding change: c.836A>G on transcript NM_015338.6 (MANE Select); coding-DNA position 836, A replaced by G.
Protein change: p.His279Arg; replaces histidine 279 with arginine.
Molecular consequence: missense variant.
Genome position (GRCh38, 1-based): chr20:32,431,438, A>G. VCF-style: chr20-32431438-A-G. GRCh37 (hg19) VCF-style: chr20-31019241-A-G.
Other names: c.653A>G, p.His218Arg (NM_001363734.1); short protein forms H218R, H279R.
Identifiers: ClinVar variation 2637373 (VCV002637373.2), dbSNP rs2515515807, ClinGen allele CA408553842.